The following is an entry in ClinVar:

ClinVar aggregate classification (germline): Uncertain significance. Review status: criteria provided, multiple submitters, no conflicts (2 of 4 stars). 3 submissions from 3 submitters: Uncertain significance (3). Last evaluated 2025-08-13.

Conditions:
Deafness-lymphedema-leukemia syndrome. Also called: Lymphedema, primary, with myelodysplasia; Emberger syndrome. Identifiers: Orphanet 3226, MedGen C3279664, MONDO:0013540, OMIM 614038.
Monocytopenia with susceptibility to infections. Also called: MONOCYTOPENIA AND MYCOBACTERIAL INFECTION SYNDROME; MONOCYTOPENIA WITH SUSCEPTIBILITY TO MYCOBACTERIAL, FUNGAL, AND PAPILLOMAVIRUS INFECTIONS AND MYELODYSPLASIA; COMBINED IMMUNODEFICIENCY WITH SUSCEPTIBILITY TO MYCOBACTERIAL, VIRAL, AND FUNGAL INFECTIONS; IMMUNODEFICIENCY 21; Dendritic cell, monocyte, B lymphocyte, and natural killer lymphocyte deficiency; GATA2 DEFICIENCY. Identifiers: Orphanet 228423, MedGen C3280030, MONDO:0013607, OMIM 614172.
Inborn genetic diseases. Identifiers: MedGen C0950123, MeSH D030342.

Allele frequency attached by ClinVar (database versions not stated): gnomAD exomes below 0.00001; TOPMed below 0.00001.
gnomAD v4.1: 2 of 1,614,178 alleles (0.00012%); highest among the groups gnomAD compares: Non-Finnish European, 0.00017%; no homozygotes.

Submissions (3):

Ambry Genetics
Classification: Uncertain significance for Inborn genetic diseases. Last evaluated: 2025-08-13. Review status: criteria provided, single submitter. Criteria: Ambry Variant Classification Scheme 2023. Collection method: clinical testing. Allele origin: germline.
Comment: The p.M221L variant (also known as c.661A>C), located in coding exon 2 of the GATA2 gene, results from an A to C substitution at nucleotide position 661. The methionine at codon 221 is replaced by leucine, an amino acid with highly similar properties. This amino acid position is well conserved in available vertebrate species. In addition, the in silico prediction for this alteration is inconclusive. Based on the available evidence, the clinical significance of this variant remains unclear.

Labcorp Genetics (formerly Invitae), Labcorp
Classification: Uncertain significance for Monocytopenia with susceptibility to infections; Deafness-lymphedema-leukemia syndrome. Last evaluated: 2022-12-06. Review status: criteria provided, single submitter. Criteria: Invitae Variant Classification Sherloc (09022015). Collection method: clinical testing. Allele origin: germline.
Comment: In summary, the available evidence is currently insufficient to determine the role of this variant in disease. Therefore, it has been classified as a Variant of Uncertain Significance. Advanced modeling of protein sequence and biophysical properties (such as structural, functional, and spatial information, amino acid conservation, physicochemical variation, residue mobility, and thermodynamic stability) performed at Invitae indicates that this missense variant is not expected to disrupt GATA2 protein function. ClinVar contains an entry for this variant (Variation ID: 577317). This variant has not been reported in the literature in individuals affected with GATA2-related conditions. This variant is present in population databases (no rsID available, gnomAD 0.0009%). This sequence change replaces methionine, which is neutral and non-polar, with leucine, which is neutral and non-polar, at codon 221 of the GATA2 protein (p.Met221Leu).

Mendelics
Classification: Uncertain significance for Deafness-lymphedema-leukemia syndrome. Last evaluated: 2019-05-28. Review status: criteria provided, single submitter. Criteria: Mendelics Assertion Criteria 2017. Collection method: clinical testing. Allele origin: unknown.

NM_032638.5(GATA2):c.661A>C (p.Met221Leu)

Gene: GATA2 (GATA binding protein 2; minus strand). Cytogenetic location: 3q21.3.
Variant type: single nucleotide variant.
Coding change: c.661A>C on transcript NM_032638.5 (MANE Select); coding-DNA position 661, A replaced by C.
Protein change: p.Met221Leu; replaces methionine 221 with leucine.
Molecular consequence: missense variant.
Genome position (GRCh38, 1-based): chr3:128,485,937, T>G on the plus strand (A>C on the coding strand, the complement: GATA2 is on the minus strand). VCF-style: chr3-128485937-T-G. GRCh37 (hg19) VCF-style: chr3-128204780-T-G.
Other names: c.661A>C, p.Met221Leu (NM_001145661.2, NM_001145662.1); short protein forms M221L.
Identifiers: ClinVar variation 577317 (VCV000577317.11), dbSNP rs1252930387, ClinGen allele CA354406309.